The following is an entry in ClinVar:

NM_005138.3(SCO2):c.237G>A (p.Arg79=)

Genes: NCAPH2 (non-SMC condensin II complex subunit H2; plus strand), SCO2 (synthesis of cytochrome C oxidase 2; minus strand), TYMP (thymidine phosphorylase; minus strand). Cytogenetic location: 22q13.33.
Variant type: single nucleotide variant.
Coding change: c.237G>A on transcript NM_005138.3 (MANE Select); coding-DNA position 237, G replaced by A.
Protein change: p.Arg79=; no amino-acid change (arginine 79 retained).
Molecular consequence: synonymous variant. On other transcripts: 3 prime UTR variant (2).
Genome position (GRCh38, 1-based): chr22:50,524,175, C>T on the plus strand (G>A on the coding strand, the complement: SCO2 is on the minus strand). VCF-style: chr22-50524175-C-T. GRCh37 (hg19) VCF-style: chr22-50962604-C-T.
Other names: c.*800C>T (NM_001185011.2, NM_152299.4); c.237G>A, p.Arg79= (NM_001169109.2, NM_001169110.1, NM_001169111.2).
Identifiers: ClinVar variation 342126 (VCV000342126.35), dbSNP rs150485659, ClinGen allele CA10321256.

ClinVar aggregate classification (germline): Conflicting classifications of pathogenicity. Review status: criteria provided, conflicting classifications (1 of 4 stars). 6 submissions from 5 submitters: Uncertain significance (2); Likely benign (4). Last evaluated 2026-09-01.

Conditions:
Mitochondrial DNA depletion syndrome 1. Also called: Mitochondrial neurogastrointestinal encephalomyopathy syndrome; Mitochondrial Neurogastrointestinal Encephalopathy Disease; MITOCHONDRIAL NEUROGASTROINTESTINAL ENCEPHALOPATHY SYNDROME, TYMP-RELATED; MNGIE, TYMP-RELATED; POLIP SYNDROME; POLYNEUROPATHY, OPHTHALMOPLEGIA, LEUKOENCEPHALOPATHY, AND INTESTINAL PSEUDOOBSTRUCTION. Identifiers: Orphanet 298, MedGen C4551995, MONDO:0011283, OMIM 603041.
Cardioencephalomyopathy, fatal infantile, due to cytochrome c oxidase deficiency 1 (MC4DN2). Also called: MITOCHONDRIAL COMPLEX IV DEFICIENCY, NUCLEAR TYPE 2; CYTOCHROME c OXIDASE DEFICIENCY, FATAL INFANTILE, WITH CARDIOENCEPHALOMYOPATHY. Identifiers: Orphanet 1561, MedGen C5399977, MONDO:0011451, OMIM 604377.

Allele frequency attached by ClinVar (database versions not stated): 1000 Genomes Project 0.00020; ESP Exome Variant Server 0.00031; gnomAD 0.00036 and 0.00034; gnomAD exomes 0.00019 and 0.00042; ExAC 0.00028; 1000 Genomes Project 30x 0.00016; TOPMed 0.00042.
gnomAD v4.1: 356 of 1,610,088 alleles (0.022%); highest among the groups gnomAD compares: Admixed American, 0.048%; no homozygotes.

Submissions (6):

CeGaT Center for Human Genetics Tuebingen
Classification: Likely benign. Last evaluated: 2026-09-01. Review status: criteria provided, single submitter. Criteria: CeGaT Center For Human Genetics Tuebingen Variant Classification Criteria Version 2. Collection method: clinical testing. Allele origin: germline. Affected: yes. Observed: 2 variant alleles.
Comment: SCO2: BP4, BP7

Labcorp Genetics (formerly Invitae), Labcorp
Classification: Likely benign. Last evaluated: 2026-02-02. Review status: criteria provided, single submitter. Criteria: Invitae Variant Classification Sherloc (09022015). Collection method: clinical testing. Allele origin: germline.

Blueprint Genetics
Classification: Likely benign. Last evaluated: 2024-09-12. Review status: criteria provided, single submitter. Criteria: ACMG Guidelines, 2015. Collection method: clinical testing. Allele origin: germline.

GeneDx
Classification: Likely benign. Last evaluated: 2021-10-01. Review status: criteria provided, single submitter. Criteria: GeneDx Variant Classification Process June 2021. Collection method: clinical testing. Allele origin: germline. Affected: yes.

Illumina Laboratory Services, Illumina
Classification: Uncertain significance for Cardioencephalomyopathy, fatal infantile, due to cytochrome c oxidase deficiency 1. Last evaluated: 2018-01-13. Review status: criteria provided, single submitter. Criteria: ICSL Variant Classification Criteria 13 December 2019. Collection method: clinical testing. Allele origin: germline.

Illumina Laboratory Services, Illumina
Classification: Uncertain significance for Mitochondrial DNA depletion syndrome 1. Last evaluated: 2018-01-13. Review status: criteria provided, single submitter. Criteria: ICSL Variant Classification Criteria 13 December 2019. Collection method: clinical testing. Allele origin: germline.